The following is an entry in ClinVar:

ClinVar aggregate classification (germline): Pathogenic (1 of 4 stars; one submission).

Conditions:
Ataxia-telangiectasia syndrome (AT). Also called: Ataxia-telangiectasia, complementation group D; AT, COMPLEMENTATION GROUP C; ATAXIA-TELANGIECTASIA, COMPLEMENTATION GROUP A; ATAXIA-TELANGIECTASIA, FRESNO VARIANT; Ataxia-telangiectasia; Ataxia-telangiectasia, complementation group E. Identifiers: Orphanet 100, MedGen C0004135, MONDO:0008840, OMIM 208900.

Submission:

Labcorp Genetics (formerly Invitae), Labcorp
Classification: Pathogenic for Ataxia-telangiectasia syndrome. Last evaluated: 2025-12-03. Review status: criteria provided, single submitter. Criteria: Invitae Variant Classification Sherloc (09022015). Collection method: clinical testing. Allele origin: germline.
Comment: This sequence change creates a premature translational stop signal (p.Lys2670Argfs*12) in the ATM gene. It is expected to result in an absent or disrupted protein product. Loss-of-function variants in ATM are known to be pathogenic (PMID: 23807571, 25614872). This variant is not present in population databases (gnomAD no frequency). This variant has not been reported in the literature in individuals affected with ATM-related conditions. For these reasons, this variant has been classified as Pathogenic.

Literature cited by the submitters: PubMed 23807571; PubMed 25614872.

NM_000051.4(ATM):c.8007del (p.Lys2670fs)

Genes: ATM (ATM serine/threonine kinase; plus strand), C11orf65 (chromosome 11 open reading frame 65; minus strand). Cytogenetic location: 11q22.3.
Variant type: Deletion.
Coding change: c.8007del on transcript NM_000051.4 (MANE Select); coding-DNA position 8007, one base deleted (T; older notation c.8007delT).
Protein change: p.Lys2670fs; shifts the reading frame from lysine 2670.
Molecular consequence: frameshift variant. On other transcripts: intron variant (2).
Genome position (GRCh38, 1-based): chr11:108,333,965, T deleted; the last of 2 consecutive T bases (chr11:108,333,964-108,333,965); deleting either gives the same sequence. VCF-style (leftmost placement, unchanged base first): chr11-108333963-AT-A. GRCh37 (hg19) VCF-style: chr11-108204690-AT-A.
Other names: c.8007del, p.Lys2670fs (NM_001351834.2); c.641-24893del (NM_001330368.2); c.*38+1256del (NM_001351110.2); short protein forms K2670fs.
Identifiers: ClinVar variation 4732475 (VCV004732475.1).